The following is an entry in ClinVar:

ClinVar aggregate classification (germline): Uncertain significance (1 of 4 stars; one submission).

Conditions:
Inborn genetic diseases. Identifiers: MedGen C0950123, MeSH D030342.

Submission:

Ambry Genetics
Classification: Uncertain significance for Inborn genetic diseases. Last evaluated: 2024-11-30. Review status: criteria provided, single submitter. Criteria: Ambry Variant Classification Scheme 2023. Collection method: clinical testing. Allele origin: germline.
Comment: The p.G1389W variant (also known as c.4165G>T), located in coding exon 13 of the ASXL1 gene, results from a G to T substitution at nucleotide position 4165. The glycine at codon 1389 is replaced by tryptophan, an amino acid with highly dissimilar properties. This amino acid position is conserved. In addition, this alteration is predicted to be tolerated by in silico analysis. Based on the available evidence, the clinical significance of this variant remains unclear.

NM_015338.6(ASXL1):c.4165G>T (p.Gly1389Trp)

Gene: ASXL1 (ASXL transcriptional regulator 1; plus strand). Cytogenetic location: 20q11.21.
Variant type: single nucleotide variant.
Coding change: c.4165G>T on transcript NM_015338.6 (MANE Select); coding-DNA position 4165, G replaced by T.
Protein change: p.Gly1389Trp; replaces glycine 1389 with tryptophan.
Molecular consequence: missense variant.
Genome position (GRCh38, 1-based): chr20:32,436,877, G>T. VCF-style: chr20-32436877-G-T. GRCh37 (hg19) VCF-style: chr20-31024680-G-T.
Other names: c.3982G>T, p.Gly1328Trp (NM_001363734.1); short protein forms G1328W, G1389W.
Identifiers: ClinVar variation 3439144 (VCV003439144.1).
Genomic context (GRCh38, chr20:32,436,877, plus strand): 5'-AATGAGAAGACTTTTGTGGGGGGTCCTCTTAAGGCAAATGCCGAGAACAGGAAAGCTACT[G>T]GGCATAGTCCCCTGGAACTGGTGGGTCACTTGGAAGGGATGCCCTTTGTCATGGACTTGC-3'
Protein context (NP_056153.2, residues 1379-1399): KANAENRKAT[Gly1389Trp]HSPLELVGHL